The following is an entry in ClinVar:

NM_001367624.2(ZNF469):c.3187C>T (p.Arg1063Trp)

Genes: ZNF469 (zinc finger protein 469; plus strand), LOC130059718 (ATAC-STARR-seq lymphoblastoid silent region 7847; plus strand). Cytogenetic location: 16q24.2.
Variant type: single nucleotide variant.
Coding change: c.3187C>T on transcript NM_001367624.2 (MANE Select); coding-DNA position 3187, C replaced by T.
Protein change: p.Arg1063Trp; replaces arginine 1063 with tryptophan.
Molecular consequence: missense variant.
Genome position (GRCh38, 1-based): chr16:88,430,657, C>T. VCF-style: chr16-88430657-C-T. GRCh37 (hg19) VCF-style: chr16-88497065-C-T.
Other names: short protein forms R1063W.
Identifiers: ClinVar variation 2999777 (VCV002999777.5), dbSNP rs1468108940, ClinGen allele CA397078506.
Genomic context (GRCh38, chr16:88,430,657, plus strand): 5'-GGCGGCGCCTGGGGCAAGGAGCTCATTCTGAAGATCGTGCAGCAGAAGAACAGGCGCCAC[C>T]GGCGGCTGGGGCGGCGGGCGGGCAGGTGCGGCTCCCTGGCGGCGGGGAGGCCCCGGCCCG-3'
Protein context (NP_001354553.1, residues 1053-1073): KIVQQKNRRH[Arg1063Trp]RLGRRAGRCG

ClinVar aggregate classification (germline): Conflicting classifications of pathogenicity. Review status: criteria provided, conflicting classifications (1 of 4 stars). 2 submissions from 2 submitters: Uncertain significance (1); Likely benign (1). Last evaluated 2025-09-14.

gnomAD v4.1: 5 of 1,493,246 alleles (0.00033%); highest among the groups gnomAD compares: Non-Finnish European, 0.00044%; no homozygotes.

Submissions (2):

Labcorp Genetics (formerly Invitae), Labcorp
Classification: Likely benign. Last evaluated: 2025-09-14. Review status: criteria provided, single submitter. Criteria: Invitae Variant Classification Sherloc (09022015). Collection method: clinical testing. Allele origin: germline.

Women's Health and Genetics/Laboratory Corporation of America, LabCorp
Classification: Uncertain significance. Last evaluated: 2025-04-21. Review status: criteria provided, single submitter. Criteria: LabCorp Variant Classification Summary - May 2015. Collection method: clinical testing. Allele origin: germline.
Comment: Variant summary: ZNF469 c.3187C>T (p.Arg1063Trp) results in a non-conservative amino acid change in the encoded protein sequence. Three of three in-silico tools predict a damaging effect of the variant on protein function. The variant allele was found at a frequency of 2.1e-05 in 96592 control chromosomes. The available data on variant occurrences in the general population are insufficient to allow any conclusion about variant significance. To our knowledge, no occurrence of c.3187C>T in individuals affected with Brittle cornea syndrome 1 and no experimental evidence demonstrating its impact on protein function have been reported. ClinVar contains an entry for this variant (Variation ID: 2999777). Based on the evidence outlined above, the variant was classified as uncertain significance.